The following is an entry in ClinVar:

ClinVar aggregate classification (germline): Uncertain significance. Review status: criteria provided, multiple submitters, no conflicts (2 of 4 stars). 2 submissions from 2 submitters: Uncertain significance (2). Last evaluated 2024-11-13.

Conditions:
Combined immunodeficiency due to LRBA deficiency. Also called: Common variable immunodeficiency 8, with autoimmunity. Identifiers: Orphanet 445018, MedGen C3553512, MONDO:0013863, OMIM 614700.
Inborn genetic diseases. Identifiers: MedGen C0950123, MeSH D030342.

Allele frequency attached by ClinVar (database versions not stated): gnomAD exomes 0.00001; ExAC 0.00002; TOPMed 0.00002; ESP Exome Variant Server 0.00008.
gnomAD v4.1: 13 of 1,606,764 alleles (0.00081%); highest among the groups gnomAD compares: African/African-American, 0.0013%; no homozygotes.

Submissions (2):

Ambry Genetics
Classification: Uncertain significance for Inborn genetic diseases. Last evaluated: 2024-11-13. Review status: criteria provided, single submitter. Criteria: Ambry Variant Classification Scheme 2023. Collection method: clinical testing. Allele origin: germline.

Labcorp Genetics (formerly Invitae), Labcorp
Classification: Uncertain significance for Combined immunodeficiency due to LRBA deficiency. Last evaluated: 2021-10-12. Review status: criteria provided, single submitter. Criteria: Invitae Variant Classification Sherloc (09022015). Collection method: clinical testing. Allele origin: germline.
Comment: In summary, the available evidence is currently insufficient to determine the role of this variant in disease. Therefore, it has been classified as a Variant of Uncertain Significance. Algorithms developed to predict the effect of missense changes on protein structure and function are either unavailable or do not agree on the potential impact of this missense change (SIFT: "Deleterious"; PolyPhen-2: "Probably Damaging"; Align-GVGD: "Class C0"). This variant has not been reported in the literature in individuals affected with LRBA-related conditions. This variant is present in population databases (rs376374926, ExAC 0.01%). This sequence change replaces tyrosine with serine at codon 2430 of the LRBA protein (p.Tyr2430Ser). The tyrosine residue is moderately conserved and there is a large physicochemical difference between tyrosine and serine.

NM_001364905.1(LRBA):c.7256A>C (p.Tyr2419Ser)

Gene: LRBA (LPS responsive beige-like anchor protein; minus strand). Cytogenetic location: 4q31.3.
Variant type: single nucleotide variant.
Coding change: c.7256A>C on transcript NM_001364905.1 (MANE Select); coding-DNA position 7256, A replaced by C.
Protein change: p.Tyr2419Ser; replaces tyrosine 2419 with serine.
Molecular consequence: missense variant.
Genome position (GRCh38, 1-based): chr4:150,350,098, T>G on the plus strand (A>C on the coding strand, the complement: LRBA is on the minus strand). VCF-style: chr4-150350098-T-G. GRCh37 (hg19) VCF-style: chr4-151271250-T-G.
Other names: c.7256A>C, p.Tyr2419Ser (NM_001199282.3, NM_001367550.1); c.7289A>C, p.Tyr2430Ser (NM_006726.5); short protein forms Y2430S, Y2419S.
Identifiers: ClinVar variation 540397 (VCV000540397.6), dbSNP rs376374926, ClinGen allele CA3101695.